The following is an entry in ClinVar:

ClinVar aggregate classification (germline): Uncertain significance (1 of 4 stars; one submission).

Submission:

Women's Health and Genetics/Laboratory Corporation of America, LabCorp
Classification: Uncertain significance. Last evaluated: 2021-07-02. Review status: criteria provided, single submitter. Criteria: LabCorp Variant Classification Summary - May 2015. Collection method: clinical testing. Allele origin: germline.
Comment: Variant summary: GLA c.592_603del12 (p.Ile198_Ser201del) results in an in-frame deletion that is predicted to remove 4 amino acids from the encoded protein. The variant was absent in 181578 control chromosomes (gnomAD). To our knowledge, no occurrence of c.592_603del12 in individuals affected with Fabry Disease and no experimental evidence demonstrating its impact on protein function have been reported. No clinical diagnostic laboratories have submitted clinical-significance assessments for this variant to ClinVar after 2014. Based on the evidence outlined above, the variant was classified as uncertain significance.

NM_000169.3(GLA):c.592_603del (p.Ile198_Ser201del)

Genes: GLA (galactosidase alpha; minus strand), RPL36A-HNRNPH2 (RPL36A-HNRNPH2 readthrough; plus strand). Cytogenetic location: Xq22.1.
Variant type: Deletion.
Coding change: c.592_603del on transcript NM_000169.3 (MANE Select); coding-DNA positions 592 to 603, 12 bases deleted (ATTGTGTACTCC).
Protein change: p.Ile198_Ser201del.
Molecular consequence: inframe deletion. On other transcripts: inframe indel (2), non-coding transcript variant (2), intron variant (2).
Genome position (GRCh38, 1-based): chrX:101,400,702-101,400,713, GGAGTACACAAT deleted on the plus strand (ATTGTGTACTCC on the coding strand, the reverse complement: GLA is on the minus strand); deleting any 12 consecutive bases within chrX:101,400,702-101,400,714 gives the same sequence; the c. name uses the placement nearest the transcript's 3' end. VCF-style (leftmost placement, unchanged base first): chrX-101400701-AGGAGTACACAAT-A. GRCh37 (hg19) VCF-style: chrX-100655689-AGGAGTACACAAT-A.
Other names: c.592_603del12 (NM_000169.2); c.591_602delCATTGTGTACTC, p.Ile198_Ser201del (NM_000169.2); c.715_726del, p.Ile239_Ser242del (NM_001406747.1); c.592_603del, p.Ile198_Ser201del (NM_001406748.1); c.300+5246_300+5257del (NM_001199973.2); c.177+8881_177+8892del (NM_001199974.2).
Identifiers: ClinVar variation 928730 (VCV000928730.2), dbSNP rs1928284093, ClinGen allele CA1139532090.